The following is an entry in ClinVar:

ClinVar aggregate classification (germline): Pathogenic. Review status: criteria provided, multiple submitters, no conflicts (2 of 4 stars). 2 submissions from 2 submitters: Pathogenic (2). Last evaluated 2024-06-07.

Conditions:
Mucopolysaccharidosis, MPS-II (MPS2). Also called: Mucopolysaccharidosis with skin involvement; Mucopolysaccharidosis type 2; Attenuated MPS (subtype; formerly known as mild MPS II); Severe MPS II; I2S deficiency; MPS 2. Identifiers: Orphanet 580, Orphanet 79388, MedGen C0026705, MONDO:0010674, OMIM 309900.

Submissions (2):

Laboratory of Diagnosis and Therapy of Lysosomal Disorders, University of Padova
Classification: Pathogenic for Mucopolysaccharidosis, MPS-II. Last evaluated: 2024-06-07. Review status: criteria provided, single submitter. Criteria: ACMG Guidelines, 2015. Collection method: literature only. Allele origin: germline. Affected: yes. Observed: 3 variant alleles.
Comment: De novo (PS2_Strong), Located in a mutational hot spot and/or critical functional domain (PM1_Moderate), Absent from controls (or at low frequency) in gnomAD database (PM2_Moderate), Missense variant in a gene with a low rate of benign missense variation (PP2_Supporting), Multiple lines of computational evidence support a deleterious effect (PP3_Supporting), Patient’s phenotype or family history highly specific for the disease (PP4_Strong)

Classification method: ACMG Guidelines [PMID:25741868] with modifications

Labcorp Genetics (formerly Invitae), Labcorp
Classification: Pathogenic for Mucopolysaccharidosis, MPS-II. Last evaluated: 2023-02-27. Review status: criteria provided, single submitter. Criteria: Invitae Variant Classification Sherloc (09022015). Collection method: clinical testing. Allele origin: germline.
Comment: This variant disrupts the p.His229 amino acid residue in IDS. Other variant(s) that disrupt this residue have been observed in individuals with IDS-related conditions (PMID: 7887413, 22976768, 35005816), which suggests that this may be a clinically significant amino acid residue. For these reasons, this variant has been classified as Pathogenic. This missense change has been observed in individual(s) with mucopolysaccharidosis type II (PMID: 9660053, 9762601, 12572848). Advanced modeling of protein sequence and biophysical properties (such as structural, functional, and spatial information, amino acid conservation, physicochemical variation, residue mobility, and thermodynamic stability) performed at Invitae indicates that this missense variant is not expected to disrupt IDS protein function. This variant is not present in population databases (gnomAD no frequency). This sequence change replaces histidine, which is basic and polar, with arginine, which is basic and polar, at codon 229 of the IDS protein (p.His229Arg).

Literature cited by the submitters: PubMed 9660053 (cited by Laboratory of Diagnosis and Therapy of Lysosomal Disorders, University of Padova and Labcorp Genetics (formerly Invitae), Labcorp); PubMed 9762601 (cited by Laboratory of Diagnosis and Therapy of Lysosomal Disorders, University of Padova and Labcorp Genetics (formerly Invitae), Labcorp); PubMed 36945845 (cited by Laboratory of Diagnosis and Therapy of Lysosomal Disorders, University of Padova); PubMed 7887413 (cited by Labcorp Genetics (formerly Invitae), Labcorp); PubMed 22976768 (cited by Labcorp Genetics (formerly Invitae), Labcorp); PubMed 35005816 (cited by Labcorp Genetics (formerly Invitae), Labcorp); PubMed 12572848 (cited by Labcorp Genetics (formerly Invitae), Labcorp).

NM_000202.8(IDS):c.686A>G (p.His229Arg)

Genes: IDS (iduronate 2-sulfatase; minus strand), LOC106050102 (IDS recombination region; plus strand). Cytogenetic location: Xq28.
Variant type: single nucleotide variant.
Coding change: c.686A>G on transcript NM_000202.8 (MANE Select); coding-DNA position 686, A replaced by G.
Protein change: p.His229Arg; replaces histidine 229 with arginine.
Molecular consequence: missense variant. On other transcripts: non-coding transcript variant (1).
Genome position (GRCh38, 1-based): chrX:149,498,129, T>C on the plus strand (A>G on the coding strand, the complement: IDS is on the minus strand). VCF-style: chrX-149498129-T-C. GRCh37 (hg19) VCF-style: chrX-148579660-T-C.
Other names: c.416A>G, p.His139Arg (NM_001166550.4); c.686A>G, p.His229Arg (NM_006123.5); short protein forms H139R, H229R.
Identifiers: ClinVar variation 2737387 (VCV002737387.5), dbSNP rs193302905, ClinGen allele CA337036439.